The following is an entry in ClinVar:

ClinVar aggregate classification (germline): Benign/Likely benign. Review status: criteria provided, multiple submitters, no conflicts (2 of 4 stars). 2 submissions from 2 submitters: Benign (1); Likely benign (1). Last evaluated 2026-07-01.

Allele frequency attached by ClinVar (database versions not stated): 1000 Genomes Project 30x 0.00297; 1000 Genomes Project 0.00300; ExAC 0.00414; gnomAD 0.00424; TOPMed 0.00554; ESP Exome Variant Server 0.00630.
gnomAD v4.1: 10,722 of 1,614,180 alleles (0.66%); highest among the groups gnomAD compares: Non-Finnish European, 0.81%; 44 homozygotes.

Submissions (2):

CeGaT Center for Human Genetics Tuebingen
Classification: Likely benign. Last evaluated: 2026-07-01. Review status: criteria provided, single submitter. Criteria: CeGaT Center For Human Genetics Tuebingen Variant Classification Criteria Version 2. Collection method: clinical testing. Allele origin: germline. Affected: yes. Observed: 6 variant alleles.
Comment: IRF4: BP4, BP7, BS2

Labcorp Genetics (formerly Invitae), Labcorp
Classification: Benign. Last evaluated: 2026-02-02. Review status: criteria provided, single submitter. Criteria: Invitae Variant Classification Sherloc (09022015). Collection method: clinical testing. Allele origin: germline.

NM_002460.4(IRF4):c.963C>T (p.Pro321=)

Gene: IRF4 (interferon regulatory factor 4; plus strand). Cytogenetic location: 6p25.3.
Variant type: single nucleotide variant.
Coding change: c.963C>T on transcript NM_002460.4 (MANE Select); coding-DNA position 963, C replaced by T.
Protein change: p.Pro321=; no amino-acid change (proline 321 retained).
Molecular consequence: synonymous variant. On other transcripts: non-coding transcript variant (1).
Genome position (GRCh38, 1-based): chr6:401,641, C>T. VCF-style: chr6-401641-C-T. GRCh37 (hg19) VCF-style: chr6-401641-C-T.
Other names: c.960C>T, p.Pro320= (NM_001195286.2).
Identifiers: ClinVar variation 787537 (VCV000787537.34), dbSNP rs41301857, ClinGen allele CA3612845.
Genomic context (GRCh38, chr6:401,641, plus strand): 5'-GAAAAACATTGAGAAGCTGCTGAGCCACCTGGAGAGGGGCGTGGTCCTCTGGATGGCCCC[C>T]GACGGGCTCTATGCGAAAAGACTGTGCCAGAGCAGGATCTACTGGGACGGGCCCCTGGCG-3'
Protein context (NP_002451.2, residues 311-331): LERGVVLWMA[Pro321=]DGLYAKRLCQ